The following is an entry in ClinVar:

NM_138420.4(AHNAK2):c.4881C>T (p.Asp1627=)

Gene: AHNAK2 (AHNAK nucleoprotein 2; minus strand). Cytogenetic location: 14q32.33.
Variant type: single nucleotide variant.
Coding change: c.4881C>T on transcript NM_138420.4 (MANE Select); coding-DNA position 4881, C replaced by T.
Protein change: p.Asp1627=; no amino-acid change (aspartic acid 1627 retained).
Molecular consequence: synonymous variant.
Genome position (GRCh38, 1-based): chr14:104,950,570, G>A on the plus strand (C>T on the coding strand, the complement: AHNAK2 is on the minus strand). VCF-style: chr14-104950570-G-A. GRCh37 (hg19) VCF-style: chr14-105416907-G-A.
Other names: c.4581C>T, p.Asp1527= (NM_001350929.2).
Identifiers: ClinVar variation 2644816 (VCV002644816.24), dbSNP rs371884074, ClinGen allele CA7382163.

ClinVar aggregate classification (germline): Likely benign (1 of 4 stars; one submission).

Allele frequency attached by ClinVar (database versions not stated): ExAC 0.00122; ESP Exome Variant Server 0.00127; gnomAD 0.00144; 1000 Genomes Project 30x 0.00203; 1000 Genomes Project 0.00240.
gnomAD v4.1: 650 of 1,586,310 alleles (0.041%); highest among the groups gnomAD compares: Admixed American, 0.42%; 63 homozygotes.

Submission:

CeGaT Center for Human Genetics Tuebingen
Classification: Likely benign. Last evaluated: 2023-01-01. Review status: criteria provided, single submitter. Criteria: CeGaT Center For Human Genetics Tuebingen Variant Classification Criteria Version 2. Collection method: clinical testing. Allele origin: germline. Affected: yes. Observed: 1 variant allele.
Comment: AHNAK2: BP4, BP7, BS2